The following is an entry in ClinVar:

ClinVar aggregate classification (germline): Uncertain significance (1 of 4 stars; one submission).

Conditions:
Hereditary cancer-predisposing syndrome. Also called: Neoplastic Syndromes, Hereditary; Tumor predisposition; Hereditary Cancer Syndrome; Hereditary neoplastic syndrome. Identifiers: Orphanet 140162, MedGen C0027672, MeSH D009386, MONDO:0015356.

Submission:

Ambry Genetics
Classification: Uncertain significance for Hereditary cancer-predisposing syndrome. Last evaluated: 2025-11-27. Review status: criteria provided, single submitter. Criteria: Ambry Variant Classification Scheme 2023. Collection method: clinical testing. Allele origin: germline.
Comment: The p.M140L variant (also known as c.418A>C), located in coding exon 1 of the HOXB13 gene, results from an A to C substitution at nucleotide position 418. The methionine at codon 140 is replaced by leucine, an amino acid with highly similar properties. This amino acid position is conserved. In addition, the in silico prediction for this alteration is inconclusive. Based on the available evidence, the clinical significance of this variant remains unclear.

NM_006361.6(HOXB13):c.418A>C (p.Met140Leu)

Gene: HOXB13 (homeobox B13; minus strand). Cytogenetic location: 17q21.32.
Variant type: single nucleotide variant.
Coding change: c.418A>C on transcript NM_006361.6 (MANE Select); coding-DNA position 418, A replaced by C.
Protein change: p.Met140Leu; replaces methionine 140 with leucine.
Molecular consequence: missense variant.
Genome position (GRCh38, 1-based): chr17:48,728,176, T>G on the plus strand (A>C on the coding strand, the complement: HOXB13 is on the minus strand). VCF-style: chr17-48728176-T-G. GRCh37 (hg19) VCF-style: chr17-46805538-T-G.
Other names: short protein forms M140L.
Identifiers: ClinVar variation 4644200 (VCV004644200.1).